The following is an entry in ClinVar:

NM_001966.4(EHHADH):c.317_321del (p.Ala106fs)

Gene: EHHADH (enoyl-CoA hydratase and 3-hydroxyacyl CoA dehydrogenase; minus strand). Cytogenetic location: 3q27.2.
Variant type: Deletion.
Coding change: c.317_321del on transcript NM_001966.4 (MANE Select); coding-DNA positions 317 to 321, 5 bases deleted (CCCTG; older notation c.317_321delCCCTG).
Protein change: p.Ala106fs; shifts the reading frame from alanine 106.
Molecular consequence: frameshift variant.
Genome position (GRCh38, 1-based): chr3:185,235,320-185,235,324, CAGGG deleted on the plus strand (CCCTG on the coding strand, the reverse complement: EHHADH is on the minus strand); deleting any 5 consecutive bases within chr3:185,235,320-185,235,325 gives the same sequence; the c. name uses the placement nearest the transcript's 3' end. VCF-style (leftmost placement, unchanged base first): chr3-185235319-CCAGGG-C. GRCh37 (hg19) VCF-style: chr3-184953107-CCAGGG-C.
Other names: c.29_33del, p.Ala10fs (NM_001166415.2); short protein forms A106fs, A10fs.
Identifiers: ClinVar variation 4990043 (VCV004990043.1).

ClinVar aggregate classification (germline): Uncertain significance (1 of 4 stars; one submission).

Conditions:
EHHADH-related disorder. Also called: EHHADH-related condition.

Submission:

PreventionGenetics, part of Exact Sciences
Classification: Uncertain significance for EHHADH-related condition. Last evaluated: 2025-04-14. Review status: criteria provided, single submitter. Criteria: ACMG Guidelines, 2015. Collection method: clinical testing. Allele origin: germline.
Comment: The EHHADH c.317_321del5 variant is predicted to result in a frameshift and premature protein termination (p.Ala106Glyfs*5). To our knowledge, this variant has not been reported in the literature. This variant is reported in 0.016% of alleles in individuals of African descent in gnomAD. Loss of function has not been established as a disease mechanism. At this time, the clinical significance of this variant is uncertain due to the absence of conclusive functional and genetic evidence.